The following is an entry in ClinVar:

NM_003172.4(SURF1):c.598G>C (p.Glu200Gln)

Gene: SURF1 (SURF1 cytochrome c oxidase assembly factor; minus strand). Cytogenetic location: 9q34.2.
Variant type: single nucleotide variant.
Coding change: c.598G>C on transcript NM_003172.4 (MANE Select); coding-DNA position 598, G replaced by C.
Protein change: p.Glu200Gln; replaces glutamic acid 200 with glutamine.
Molecular consequence: missense variant.
Genome position (GRCh38, 1-based): chr9:133,352,599, C>G on the plus strand (G>C on the coding strand, the complement: SURF1 is on the minus strand). VCF-style: chr9-133352599-C-G. GRCh37 (hg19) VCF-style: chr9-136219454-C-G.
Other names: c.271G>C, p.Glu91Gln (NM_001280787.1); short protein forms E200Q, E91Q.
Identifiers: ClinVar variation 2129067 (VCV002129067.1), dbSNP rs1836456378, ClinGen allele CA375693926.
Genomic context (GRCh38, chr9:133,352,599, plus strand): 5'-TCTCAGGGACAAAAGGCTGCCTGGTTTCTGTCAGCCTCACCATCCCAATGAGGTCCACTT[C>G]TCCCTCAATCTATAAAGGAAGGTGTGTGAGATTGCATGGAGCCTGGTGGACTCCCAGAGC-3'
Protein context (NP_003163.1, residues 190-210): ETRQKGQIEG[Glu200Gln]VDLIGMVRLT

ClinVar aggregate classification (germline): Uncertain significance (1 of 4 stars; one submission).

Conditions:
Leigh syndrome (NULS). Also called: Leigh's necrotizing encephalopathy; Leigh's disease; Leigh Syndrome (mtDNA deletion); LEIGH SYNDROME, NUCLEAR; Leigh's syndrome; Leigh Disease. Identifiers: Orphanet 506, MedGen C2931891, MONDO:0009723, OMIM 256000.

Allele frequency attached by ClinVar (database versions not stated): TOPMed 0.00001.

Submission:

Labcorp Genetics (formerly Invitae), Labcorp
Classification: Uncertain significance for Leigh syndrome. Last evaluated: 2022-04-22. Review status: criteria provided, single submitter. Criteria: Invitae Variant Classification Sherloc (09022015). Collection method: clinical testing. Allele origin: germline.
Comment: This sequence change replaces glutamic acid, which is acidic and polar, with glutamine, which is neutral and polar, at codon 200 of the SURF1 protein (p.Glu200Gln). This variant is not present in population databases (gnomAD no frequency). This variant has not been reported in the literature in individuals affected with SURF1-related conditions. Algorithms developed to predict the effect of missense changes on protein structure and function are either unavailable or do not agree on the potential impact of this missense change (SIFT: "Tolerated"; PolyPhen-2: "Possibly Damaging"; Align-GVGD: "Class C0"). In summary, the available evidence is currently insufficient to determine the role of this variant in disease. Therefore, it has been classified as a Variant of Uncertain Significance.